The following is an entry in ClinVar:

NM_001109878.2(TBX22):c.-2-7C>A

Gene: TBX22 (T-box transcription factor 22). Cytogenetic location: Xq21.1.
Variant type: single nucleotide variant.
Coding change: c.-2-7C>A on transcript NM_001109878.2 (MANE Select); 7 bases into the intron before 2 bases upstream of the start codon, C replaced by A.
Molecular consequence: intron variant. On other transcripts: 5 prime UTR variant (1).
Genome position (GRCh38, 1-based): chrX:80,022,261, C>A. VCF-style: chrX-80022261-C-A. GRCh37 (hg19) VCF-style: chrX-79277760-C-A.
Other names: c.-9C>A (NM_016954.2); c.-358-7C>A (NM_001109879.2).
Identifiers: ClinVar variation 368663 (VCV000368663.8), dbSNP rs185298778, ClinGen allele CA10461136.

ClinVar aggregate classification (germline): Likely benign. Review status: criteria provided, multiple submitters, no conflicts (2 of 4 stars). 3 submissions from 3 submitters: Likely benign (2). 1 of the submissions does not count toward it. Last evaluated 2017-04-27.

Conditions:
Cleft palate with or without ankyloglossia, X-linked. Identifiers: Orphanet 324601, MedGen C1844830, MONDO:0010560, OMIM 303400.
TBX22-related disorder. Also called: TBX22-related condition.

Allele frequency attached by ClinVar (database versions not stated): 1000 Genomes Project 30x 0.00645; ESP Exome Variant Server 0.00691.
gnomAD v4.1: 1,298 of 1,208,650 alleles (0.11%); highest among the groups gnomAD compares: African/African-American, 1.8%; 12 homozygotes.

Submissions (3):

Illumina Laboratory Services, Illumina
Classification: Likely benign for Cleft palate with or without ankyloglossia, X-linked. Last evaluated: 2017-04-27. Review status: criteria provided, single submitter. Criteria: ICSL Variant Classification Criteria 13 December 2019. Collection method: clinical testing. Allele origin: germline.
Comment: This variant was observed as part of a predisposition screen in an ostensibly healthy population. A literature search was performed for the gene, cDNA change, and amino acid change (where applicable). No publications were found based on this search. Allele frequency data from public databases allowed determination this variant is unlikely to cause disease. Therefore, this variant is classified as likely benign.

Breakthrough Genomics
Classification: Likely benign. Review status: criteria provided, single submitter. Criteria: ACMG Guidelines, 2015. Collection method: not provided. Allele origin: germline. Inheritance: X-linked inheritance. Affected: yes.

PreventionGenetics, part of Exact Sciences
Classification: Benign for TBX22-related condition. Last evaluated: 2020-01-02. Review status: no assertion criteria provided. Collection method: clinical testing. Allele origin: germline. Not counted in ClinVar's aggregate classification.
Comment: This variant is classified as benign based on ACMG/AMP sequence variant interpretation guidelines (Richards et al. 2015 PMID: 25741868, with internal and published modifications).